The following is an entry in ClinVar:

ClinVar aggregate classification (germline): Pathogenic (1 of 4 stars; one submission).

Submission:

Labcorp Genetics (formerly Invitae), Labcorp
Classification: Pathogenic. Last evaluated: 2021-12-15. Review status: criteria provided, single submitter. Criteria: Invitae Variant Classification Sherloc (09022015). Collection method: clinical testing. Allele origin: germline.
Comment: For these reasons, this variant has been classified as Pathogenic. This variant has not been reported in the literature in individuals affected with LAMB1-related conditions. This variant is a gross deletion of the genomic region encompassing exon(s) 5 of the LAMB1 gene. This deletion is out-of-frame, and is expected to create a premature termination codon and result in an absent or disrupted protein product. Loss-of-function variants in LAMB1 are known to be pathogenic (PMID: 23472759, 25925986).

Literature cited by the submitters: PubMed 23472759; PubMed 25925986.

NC_000007.13:g.(?_107635312)_(107635425_?)del

Gene: LAMB1 (laminin subunit beta 1; minus strand). Cytogenetic location: 7q31.1.
Variant type: Deletion.
Identifiers: ClinVar variation 1459180 (VCV001459180.4).